The following is an entry in ClinVar:

ClinVar aggregate classification (germline): Likely pathogenic. Review status: criteria provided, multiple submitters, no conflicts (2 of 4 stars). 2 submissions from 2 submitters: Likely pathogenic (2). Last evaluated 2024-04-18.

Conditions:
Primary ciliary dyskinesia 14. Also called: CILIARY DYSKINESIA, PRIMARY, 14, WITH OR WITHOUT SITUS INVERSUS. Identifiers: Orphanet 244, MedGen C3151136, MONDO:0013434, OMIM 613807.
Primary ciliary dyskinesia. Also called: Ciliary dyskinesia. Identifiers: Orphanet 244, MedGen C0008780, MONDO:0016575, HP:0012265.

Submissions (2):

Fulgent Genetics
Classification: Likely pathogenic for Primary ciliary dyskinesia 14. Last evaluated: 2024-04-18. Review status: criteria provided, single submitter. Criteria: ACMG Guidelines, 2015. Collection method: clinical testing. Allele origin: germline.

Labcorp Genetics (formerly Invitae), Labcorp
Classification: Likely pathogenic for Primary ciliary dyskinesia. Last evaluated: 2024-02-24. Review status: criteria provided, single submitter. Criteria: Invitae Variant Classification Sherloc (09022015). Collection method: clinical testing. Allele origin: germline.
Comment: This sequence change affects a donor splice site in intron 10 of the CCDC39 gene. It is expected to disrupt RNA splicing. Variants that disrupt the donor or acceptor splice site typically lead to a loss of protein function (PMID: 16199547), and loss-of-function variants in CCDC39 are known to be pathogenic (PMID: 21131972, 23255504). This variant is not present in population databases (gnomAD no frequency). This variant has not been reported in the literature in individuals affected with CCDC39-related conditions. Algorithms developed to predict the effect of sequence changes on RNA splicing suggest that this variant may disrupt the consensus splice site. In summary, the currently available evidence indicates that the variant is pathogenic, but additional data are needed to prove that conclusively. Therefore, this variant has been classified as Likely Pathogenic.

Literature cited by the submitters: PubMed 16199547 (cited by Labcorp Genetics (formerly Invitae), Labcorp); PubMed 21131972 (cited by Labcorp Genetics (formerly Invitae), Labcorp); PubMed 23255504 (cited by Labcorp Genetics (formerly Invitae), Labcorp).

NM_181426.2(CCDC39):c.1362+1G>A

Gene: CCDC39 (coiled-coil domain 39 molecular ruler complex subunit; minus strand). Cytogenetic location: 3q26.33.
Variant type: single nucleotide variant.
Coding change: c.1362+1G>A on transcript NM_181426.2 (MANE Select); the canonical splice donor site of the intron after coding-DNA position 1362, G replaced by A.
Molecular consequence: splice donor variant.
Genome position (GRCh38, 1-based): chr3:180,648,164, C>T on the plus strand (G>A on the coding strand, the complement: CCDC39 is on the minus strand). VCF-style: chr3-180648164-C-T. GRCh37 (hg19) VCF-style: chr3-180365952-C-T.
Identifiers: ClinVar variation 3588958 (VCV003588958.3).
Genomic context (GRCh38, chr3:180,648,164, plus strand): 5'-ATCTTGACCATCACAACTGTAATAAATCAATATGGAAGATATTCATAAAAGTAACATCTA[C>T]CTGGCTGTACATAATTTCTTGCTGCTTCAAGGTTTCAAAATCCAGTTTTTGTAACTGATG-3'